The following is an entry in ClinVar:

NC_000022.10:g.(?_24129357)_(24836024_?)del

Genes: ADORA2A (adenosine A2a receptor; plus strand), CABIN1 (calcineurin binding protein 1; plus strand), DDT (D-dopachrome tautomerase; minus strand), DDTL (D-dopachrome tautomerase like; plus strand), DERL3 (derlin 3; minus strand) and 9 more. Cytogenetic location: 22q11.23.
Variant type: Deletion.
Identifiers: ClinVar variation 830686 (VCV000830686.1).

ClinVar aggregate classification (germline): Pathogenic (1 of 4 stars; one submission).

Submission:

Labcorp Genetics (formerly Invitae), Labcorp
Classification: Pathogenic. Last evaluated: 2019-09-24. Review status: criteria provided, single submitter. Criteria: Invitae Variant Classification Sherloc (09022015). Collection method: clinical testing. Allele origin: germline.
Comment: A gross deletion of the genomic region encompassing the full coding sequence of the SMARCB1 gene has been identified. The boundaries of this event are unknown as the deletion extends beyond the assayed region for this gene and therefore may encompass additional genes. Deletions of the entire SMARCB1 gene, and the gross deletion of chr22q11 encompassing the SMARCB1 gene, have been reported in multiple individuals affected with rhabdoid tumor (PMID: 27092963, 24123847, 24933152, 23154773, 22814326, 21208904, 21412926). ClinVar contains an entry for this variant (Variation ID: 464313). Loss-of-function variants in SMARCB1 are known to be pathogenic (PMID: 10521299, 21208904). For these reasons, this variant has been classified as Pathogenic.

Literature cited by the submitters: PubMed 24933152; PubMed 21208904; PubMed 21412926; PubMed 27092963; PubMed 24123847; PubMed 23154773; PubMed 22814326.